The following is an entry in ClinVar:

ClinVar aggregate classification (germline): Uncertain significance (1 of 4 stars; one submission).

Conditions:
Myofibrillar myopathy 5. Also called: Filaminopathy (type); FILAMINOPATHY, AUTOSOMAL DOMINANT. Identifiers: Orphanet 171445, MedGen C1836050, MONDO:0012289, OMIM 609524.
Distal myopathy with posterior leg and anterior hand involvement. Also called: WILLIAMS DISTAL MYOPATHY. Identifiers: Orphanet 63273, MedGen C3279722, MONDO:0013550, OMIM 614065.
Hypertrophic cardiomyopathy 26. Also called: Cardiomyopathy, familial hypertrophic, 26. Identifiers: Orphanet 75249, MedGen C4310749, MONDO:0014883, OMIM 617047.

Allele frequency attached by ClinVar (database versions not stated): TOPMed below 0.00001; gnomAD 0.00001.

Submission:

Labcorp Genetics (formerly Invitae), Labcorp
Classification: Uncertain significance for Distal myopathy with posterior leg and anterior hand involvement; Myofibrillar myopathy 5; Hypertrophic cardiomyopathy 26. Last evaluated: 2024-09-03. Review status: criteria provided, single submitter. Criteria: Invitae Variant Classification Sherloc (09022015). Collection method: clinical testing. Allele origin: germline.
Comment: This sequence change replaces valine, which is neutral and non-polar, with isoleucine, which is neutral and non-polar, at codon 1695 of the FLNC protein (p.Val1695Ile). This variant is not present in population databases (gnomAD no frequency). This variant has not been reported in the literature in individuals affected with FLNC-related conditions. Invitae Evidence Modeling of protein sequence and biophysical properties (such as structural, functional, and spatial information, amino acid conservation, physicochemical variation, residue mobility, and thermodynamic stability) has been performed for this missense variant. However, the output from this modeling did not meet the statistical confidence thresholds required to predict the impact of this variant on FLNC protein function. In summary, the available evidence is currently insufficient to determine the role of this variant in disease. Therefore, it has been classified as a Variant of Uncertain Significance.

NM_001458.5(FLNC):c.5083G>A (p.Val1695Ile)

Gene: FLNC (filamin C; plus strand). Cytogenetic location: 7q32.1.
Variant type: single nucleotide variant.
Coding change: c.5083G>A on transcript NM_001458.5 (MANE Select); coding-DNA position 5083, G replaced by A.
Protein change: p.Val1695Ile; replaces valine 1695 with isoleucine.
Molecular consequence: missense variant.
Genome position (GRCh38, 1-based): chr7:128,849,462, G>A. VCF-style: chr7-128849462-G-A. GRCh37 (hg19) VCF-style: chr7-128489516-G-A.
Other names: c.5083G>A, p.Val1695Ile (NM_001127487.2); short protein forms V1695I.
Identifiers: ClinVar variation 2934092 (VCV002934092.3), dbSNP rs1205337130, ClinGen allele CA369204137.